The following is an entry in ClinVar:

ClinVar aggregate classification (germline): Conflicting classifications of pathogenicity. Review status: criteria provided, conflicting classifications (1 of 4 stars). 5 submissions from 5 submitters: Uncertain significance (1); Likely benign (3). 1 of the submissions does not count toward it. Last evaluated 2025-09-10.

Conditions:
USH2A-related disorder. Also called: USH2A-related condition; USH2A-related disorders. Identifiers: MedGen CN239332.

Allele frequency attached by ClinVar (database versions not stated): ExAC 0.00005; gnomAD 0.00007 and 0.00008; gnomAD exomes 0.00008; TOPMed 0.00008.
gnomAD v4.1: 44 of 1,613,756 alleles (0.0027%); highest among the groups gnomAD compares: Admixed American, 0.063%; no homozygotes.

Submissions (5):

Labcorp Genetics (formerly Invitae), Labcorp
Classification: Likely benign. Last evaluated: 2025-09-10. Review status: criteria provided, single submitter. Criteria: Invitae Variant Classification Sherloc (09022015). Collection method: clinical testing. Allele origin: germline.

Blueprint Genetics
Classification: Likely benign. Last evaluated: 2024-06-10. Review status: criteria provided, single submitter. Criteria: ACMG Guidelines, 2015. Collection method: clinical testing. Allele origin: germline.

GeneDx
Classification: Likely benign. Last evaluated: 2019-09-10. Review status: criteria provided, single submitter. Criteria: GeneDx Variant Classification Process June 2021. Collection method: clinical testing. Allele origin: germline. Affected: yes.
Comment: This variant is associated with the following publications: (PMID: 15325563)

Eurofins Ntd Llc (ga)
Classification: Uncertain significance. Last evaluated: 2015-05-15. Review status: criteria provided, single submitter. Criteria: EGL Classification Definitions 2015. Collection method: clinical testing. Allele origin: germline. Observed: 1 variant allele, 1 heterozygote.

PreventionGenetics, part of Exact Sciences
Classification: Likely benign for USH2A-related condition. Last evaluated: 2020-07-02. Review status: no assertion criteria provided. Collection method: clinical testing. Allele origin: germline. Not counted in ClinVar's aggregate classification.
Comment: This variant is classified as likely benign based on ACMG/AMP sequence variant interpretation guidelines (Richards et al. 2015 PMID: 25741868, with internal and published modifications).

NM_206933.4(USH2A):c.3861A>G (p.Lys1287=)

Genes: USH2A (usherin; minus strand), USH2A-AS1 (USH2A antisense RNA 1; plus strand). Cytogenetic location: 1q41.
Variant type: single nucleotide variant.
Coding change: c.3861A>G on transcript NM_206933.4 (MANE Select); coding-DNA position 3861, A replaced by G.
Protein change: p.Lys1287=; no amino-acid change (lysine 1287 retained).
Molecular consequence: synonymous variant.
Genome position (GRCh38, 1-based): chr1:216,198,535, T>C on the plus strand (A>G on the coding strand, the complement: USH2A is on the minus strand). VCF-style: chr1-216198535-T-C. GRCh37 (hg19) VCF-style: chr1-216371877-T-C.
Other names: c.3861A>G, p.Lys1287= (NM_007123.6).
Identifiers: ClinVar variation 194908 (VCV000194908.19), dbSNP rs750789180, ClinGen allele CA241124.